The following is an entry in ClinVar:

ClinVar aggregate classification (germline): Uncertain significance (1 of 4 stars; one submission).

Submission:

GeneDx
Classification: Uncertain significance. Last evaluated: 2024-07-09. Review status: criteria provided, single submitter. Criteria: GeneDx Variant Classification Process June 2021. Collection method: clinical testing. Allele origin: germline. Affected: yes.
Comment: Not observed at significant frequency in large population cohorts (gnomAD); In silico analysis supports that this missense variant has a deleterious effect on protein structure/function; Has not been previously published as pathogenic or benign to our knowledge

NM_006950.3(SYN1):c.38T>G (p.Phe13Cys)

Gene: SYN1 (synapsin I; minus strand). Cytogenetic location: Xp11.23.
Variant type: single nucleotide variant.
Coding change: c.38T>G on transcript NM_006950.3 (MANE Select); coding-DNA position 38, T replaced by G.
Protein change: p.Phe13Cys; replaces phenylalanine 13 with cysteine.
Molecular consequence: missense variant.
Genome position (GRCh38, 1-based): chrX:47,619,691, A>C on the plus strand (T>G on the coding strand, the complement: SYN1 is on the minus strand). VCF-style: chrX-47619691-A-C. GRCh37 (hg19) VCF-style: chrX-47479090-A-C.
Other names: c.38T>G, p.Phe13Cys (NM_133499.2); short protein forms F13C.
Identifiers: ClinVar variation 3572567 (VCV003572567.1).